The following is an entry in ClinVar:

NM_000360.4(TH):c.151G>A (p.Ala51Thr)

Gene: TH (tyrosine hydroxylase; minus strand). Cytogenetic location: 11p15.5.
Variant type: single nucleotide variant.
Coding change: c.151G>A on transcript NM_000360.4 (MANE Select); coding-DNA position 151, G replaced by A.
Protein change: p.Ala51Thr; replaces alanine 51 with threonine.
Molecular consequence: missense variant.
Genome position (GRCh38, 1-based): chr11:2,169,811, C>T on the plus strand (G>A on the coding strand, the complement: TH is on the minus strand). VCF-style: chr11-2169811-C-T. GRCh37 (hg19) VCF-style: chr11-2191041-C-T.
Other names: c.244G>A, p.Ala82Thr (NM_199292.3); c.232G>A, p.Ala78Thr (NM_199293.3); short protein forms A78T, A51T, A82T.
Identifiers: ClinVar variation 1984655 (VCV001984655.4), dbSNP rs1341265038, ClinGen allele CA379112429.

ClinVar aggregate classification (germline): Uncertain significance (1 of 4 stars; one submission).

Conditions:
TH-deficient dopa-responsive dystonia. Also called: Tyrosine Hydroxylase-Deficient Dopa-Responsive Dystonia; Segawa syndrome, autosomal recessive; DYT-TH. Identifiers: Orphanet 101150, MedGen C2673535, MONDO:0011551, OMIM 605407.

Submission:

Labcorp Genetics (formerly Invitae), Labcorp
Classification: Uncertain significance for TH-deficient dopa-responsive dystonia. Last evaluated: 2022-03-22. Review status: criteria provided, single submitter. Criteria: Invitae Variant Classification Sherloc (09022015). Collection method: clinical testing. Allele origin: germline.
Comment: In summary, the available evidence is currently insufficient to determine the role of this variant in disease. Therefore, it has been classified as a Variant of Uncertain Significance. Advanced modeling of protein sequence and biophysical properties (such as structural, functional, and spatial information, amino acid conservation, physicochemical variation, residue mobility, and thermodynamic stability) performed at Invitae indicates that this missense variant is not expected to disrupt TH protein function. This variant has not been reported in the literature in individuals affected with TH-related conditions. This variant is present in population databases (no rsID available, gnomAD 0.003%). This sequence change replaces alanine, which is neutral and non-polar, with threonine, which is neutral and polar, at codon 82 of the TH protein (p.Ala82Thr).